The following is an entry in ClinVar:

NM_004752.4(GCM2):c.139C>T (p.Arg47Cys)

Gene: GCM2 (GCM transcription factor 2; minus strand). Cytogenetic location: 6p24.2.
Variant type: single nucleotide variant.
Coding change: c.139C>T on transcript NM_004752.4 (MANE Select); coding-DNA position 139, C replaced by T.
Protein change: p.Arg47Cys; replaces arginine 47 with cysteine.
Molecular consequence: missense variant.
Genome position (GRCh38, 1-based): chr6:10,877,344, G>A on the plus strand (C>T on the coding strand, the complement: GCM2 is on the minus strand). VCF-style: chr6-10877344-G-A. GRCh37 (hg19) VCF-style: chr6-10877577-G-A.
Other names: short protein forms R47C.
Identifiers: ClinVar variation 1707105 (VCV001707105.9), dbSNP rs200283922, ClinGen allele CA134132628.

ClinVar aggregate classification (germline): Conflicting classifications of pathogenicity. Review status: criteria provided, conflicting classifications (1 of 4 stars). 5 submissions from 5 submitters: Pathogenic (1); Likely pathogenic (2); Uncertain significance (1). 1 of the submissions does not count toward it. Last evaluated 2026-09-29.

Conditions:
Hyperparathyroidism 4 (HRPT4). Identifiers: MedGen C4479229, MONDO:0024570, OMIM 617343.
Hypoparathyroidism, familial isolated, 2. Identifiers: MedGen C5394383, MONDO:0020798, OMIM 618883.

Submissions (5):

GeneDx
Classification: Likely pathogenic. Last evaluated: 2026-09-29. Review status: criteria provided, single submitter. Criteria: GeneDx Variant Classification Process June 2021. Collection method: clinical testing. Allele origin: germline.
Comment: Identified along with a second GCM2 variant in an individual with primary hyperparathyroidism, but it is not known whether the variants occurred on the same (in cis) or on different (in trans) alleles (PMID: 31671402); In silico analysis supports that this missense variant has a deleterious effect on protein structure/function; This variant is associated with the following publications: (PMID: 31671402, 38586466)

Women's Health and Genetics/Laboratory Corporation of America, LabCorp
Classification: Uncertain significance. Last evaluated: 2026-02-17. Review status: criteria provided, single submitter. Criteria: LabCorp Variant Classification Summary - May 2015. Collection method: clinical testing. Allele origin: germline.
Comment: Variant summary: GCM2 c.139C>T (p.Arg47Cys) results in a non-conservative amino acid change in the encoded protein sequence. Algorithms developed to predict the effect of missense changes on protein structure and function all suggest that this variant is likely to be disruptive. The variant allele was found at a frequency of 2e-05 in 251444 control chromosomes (gnomAD). c.139C>T has been observed in individuals affected with GCM2-related disorders in both the heterozygous and compound heterozygous state (Coppin_2020, Garca-Castao_2024, internal data). These data indicate that the variant may be associated with disease. A different variant affecting the same codon has been determined as likely pathogenic/pathogenic (c.140G>T, p.Arg47Leu), supporting the critical relevance of codon 47 to GCM2 protein function. To our knowledge, no experimental evidence demonstrating an impact on protein function has been reported. The following publications have been ascertained in the context of this evaluation (PMID: 31671402, 38586466, 40329145, 33471711). ClinVar contains an entry for this variant (Variation ID: 1707105). Based on the evidence outlined above, the variant was classified as VUS-possibly pathogenic.

Labcorp Genetics (formerly Invitae), Labcorp
Classification: Pathogenic. Last evaluated: 2025-11-09. Review status: criteria provided, single submitter. Criteria: Invitae Variant Classification Sherloc (09022015). Collection method: clinical testing. Allele origin: germline.
Comment: This sequence change replaces arginine, which is basic and polar, with cysteine, which is neutral and slightly polar, at codon 47 of the GCM2 protein (p.Arg47Cys). This variant is present in population databases (rs200283922, gnomAD 0.01%). This missense change has been observed in individual(s) with GCM2-related conditions (PMID: 31671402; internal data). In at least one individual the data is consistent with being in trans (on the opposite chromosome) from a pathogenic variant. ClinVar contains an entry for this variant (Variation ID: 1707105). Invitae Evidence Modeling of protein sequence and biophysical properties (such as structural, functional, and spatial information, amino acid conservation, physicochemical variation, residue mobility, and thermodynamic stability) indicates that this missense variant is expected to disrupt GCM2 protein function with a positive predictive value of 80%. This variant disrupts the p.Arg47 amino acid residue in GCM2. Other variant(s) that disrupt this residue have been determined to be pathogenic (PMID: 15863676, 18182452). This suggests that this residue is clinically significant, and that variants that disrupt this residue are likely to be disease-causing. For these reasons, this variant has been classified as Pathogenic.

Fulgent Genetics
Classification: Likely pathogenic for Hyperparathyroidism 4; Hypoparathyroidism, familial isolated, 2. Last evaluated: 2024-05-11. Review status: criteria provided, single submitter. Criteria: ACMG Guidelines, 2015. Collection method: clinical testing. Allele origin: germline.

Molecular Genetics Laboratory, Biobizkaia Health Research Institute
Classification: Uncertain significance for Hyperparathyroidism 4. Last evaluated: 2024-03-08. Review status: no assertion criteria provided. Collection method: clinical testing. Allele origin: germline. Not counted in ClinVar's aggregate classification.

Literature cited by the submitters: PubMed 38586466 (cited by Women's Health and Genetics/Laboratory Corporation of America, LabCorp); PubMed 33471711 (cited by Women's Health and Genetics/Laboratory Corporation of America, LabCorp); PubMed 31671402 (cited by Women's Health and Genetics/Laboratory Corporation of America, LabCorp and Labcorp Genetics (formerly Invitae), Labcorp); PubMed 40329145 (cited by Women's Health and Genetics/Laboratory Corporation of America, LabCorp); PubMed 15863676 (cited by Labcorp Genetics (formerly Invitae), Labcorp); PubMed 18182452 (cited by Labcorp Genetics (formerly Invitae), Labcorp).